The following is an entry in ClinVar:

ClinVar aggregate classification (germline): Uncertain significance (1 of 4 stars; one submission).

Conditions:
Progressive myoclonic epilepsy type 7. Identifiers: Orphanet 435438, MedGen C4015420, MONDO:0014521, OMIM 616187.

Submission:

Labcorp Genetics (formerly Invitae), Labcorp
Classification: Uncertain significance for Progressive myoclonic epilepsy type 7. Last evaluated: 2022-09-06. Review status: criteria provided, single submitter. Criteria: Invitae Variant Classification Sherloc (09022015). Collection method: clinical testing. Allele origin: germline.
Comment: This sequence change replaces glycine, which is neutral and non-polar, with arginine, which is basic and polar, at codon 467 of the KCNC1 protein (p.Gly467Arg). This variant is not present in population databases (gnomAD no frequency). In summary, the available evidence is currently insufficient to determine the role of this variant in disease. Therefore, it has been classified as a Variant of Uncertain Significance. Advanced modeling of protein sequence and biophysical properties (such as structural, functional, and spatial information, amino acid conservation, physicochemical variation, residue mobility, and thermodynamic stability) performed at Invitae indicates that this missense variant is expected to disrupt KCNC1 protein function. ClinVar contains an entry for this variant (Variation ID: 645528). This variant has not been reported in the literature in individuals affected with KCNC1-related conditions.

NM_001112741.2(KCNC1):c.1399G>C (p.Gly467Arg)

Gene: KCNC1 (potassium voltage-gated channel subfamily C member 1; plus strand). Cytogenetic location: 11p15.1.
Variant type: single nucleotide variant.
Coding change: c.1399G>C on transcript NM_001112741.2 (MANE Select); coding-DNA position 1399, G replaced by C.
Protein change: p.Gly467Arg; replaces glycine 467 with arginine.
Molecular consequence: missense variant.
Genome position (GRCh38, 1-based): chr11:17,772,493, G>C. VCF-style: chr11-17772493-G-C. GRCh37 (hg19) VCF-style: chr11-17794040-G-C.
Other names: c.1399G>C, p.Gly467Arg (NM_004976.4); short protein forms G467R.
Identifiers: ClinVar variation 645528 (VCV000645528.9), dbSNP rs1477026732, ClinGen allele CA379810072.
Genomic context (GRCh38, chr11:17,772,493, plus strand): 5'-ATGGCTAAGCAGAAACTACCAAAGAAAAAAAAGAAGCATATTCCGCGGCCACCGCAGCTG[G>C]GATCTCCCAATTATTGTAAATCTGTCGTAAACTCTCCACACCACAGTACTCAGAGTGACA-3'
Protein context (NP_001106212.1, residues 457-477): KKHIPRPPQL[Gly467Arg]SPNYCKSVVN